The following is an entry in ClinVar:

ClinVar aggregate classification (germline): Uncertain significance. Review status: criteria provided, multiple submitters, no conflicts (2 of 4 stars). 2 submissions from 2 submitters: Uncertain significance (2). Last evaluated 2025-01-24.

Conditions:
COL11A1-related disorder. Also called: COL11A1-related condition; COL11A1-related disorders.

gnomAD v4.1: 2 of 1,613,680 alleles (0.00012%); no homozygotes.

Submissions (2):

PreventionGenetics, part of Exact Sciences
Classification: Uncertain significance for COL11A1-related condition. Last evaluated: 2025-01-24. Review status: criteria provided, single submitter. Criteria: ACMG Guidelines, 2015. Collection method: clinical testing. Allele origin: germline.
Comment: The COL11A1 c.209C>T variant is predicted to result in the amino acid substitution p.Ser70Leu. This variant was reported de novo in an individual with congenital diaphragmatic hernia (Table S2, Qiao et al. 2021. PubMed ID: 34547244). This variant has not been reported in a large population database (gnomAD), indicating this variant is rare. At this time, the clinical significance of this variant is uncertain due to the absence of conclusive functional and genetic evidence.

Labcorp Genetics (formerly Invitae), Labcorp
Classification: Uncertain significance. Last evaluated: 2023-08-04. Review status: criteria provided, single submitter. Criteria: Invitae Variant Classification Sherloc (09022015). Collection method: clinical testing. Allele origin: germline.
Comment: In summary, the available evidence is currently insufficient to determine the role of this variant in disease. Therefore, it has been classified as a Variant of Uncertain Significance. Advanced modeling of protein sequence and biophysical properties (such as structural, functional, and spatial information, amino acid conservation, physicochemical variation, residue mobility, and thermodynamic stability) performed at Invitae indicates that this missense variant is not expected to disrupt COL11A1 protein function. ClinVar contains an entry for this variant (Variation ID: 1450098). This variant has not been reported in the literature in individuals affected with COL11A1-related conditions. This variant is not present in population databases (gnomAD no frequency). This sequence change replaces serine, which is neutral and polar, with leucine, which is neutral and non-polar, at codon 70 of the COL11A1 protein (p.Ser70Leu).

NM_001854.4(COL11A1):c.209C>T (p.Ser70Leu)

Gene: COL11A1 (collagen type XI alpha 1 chain; minus strand). Cytogenetic location: 1p21.1.
Variant type: single nucleotide variant.
Coding change: c.209C>T on transcript NM_001854.4 (MANE Select); coding-DNA position 209, C replaced by T.
Protein change: p.Ser70Leu; replaces serine 70 with leucine.
Molecular consequence: missense variant. On other transcripts: non-coding transcript variant (1).
Genome position (GRCh38, 1-based): chr1:103,082,870, G>A on the plus strand (C>T on the coding strand, the complement: COL11A1 is on the minus strand). VCF-style: chr1-103082870-G-A. GRCh37 (hg19) VCF-style: chr1-103548426-G-A.
Other names: c.209C>T, p.Ser70Leu (NM_001190709.2, NM_080629.3, NM_080630.4); c.209C>T (NM_001854.3); short protein forms S70L.
Identifiers: ClinVar variation 1450098 (VCV001450098.7), dbSNP rs990402514, ClinGen allele CA27756310.